The following is an entry in ClinVar:

ClinVar aggregate classification (germline): Benign. Review status: criteria provided, multiple submitters, no conflicts (2 of 4 stars). 4 submissions from 4 submitters: Benign (3). 1 of the submissions does not count toward it. Last evaluated 2026-03-01.

Conditions:
MYT1L-related disorder. Also called: MYT1L-related condition.

Allele frequency attached by ClinVar (database versions not stated): gnomAD 0.00004 and 0.00040; TOPMed 0.00010; gnomAD exomes 0.00163; 1000 Genomes Project 30x 0.00297; 1000 Genomes Project 0.00300; ExAC 0.00435.
gnomAD v4.1: 1,023 of 1,551,964 alleles (0.066%); highest among the groups gnomAD compares: South Asian, 1.1%; 12 homozygotes.

Submissions (4):

CeGaT Center for Human Genetics Tuebingen
Classification: Benign. Last evaluated: 2026-03-01. Review status: criteria provided, single submitter. Criteria: CeGaT Center For Human Genetics Tuebingen Variant Classification Criteria Version 2. Collection method: clinical testing. Allele origin: germline. Affected: yes. Observed: 8 variant alleles.
Comment: MYT1L: BP4, BP7, BS1, BS2

GeneDx
Classification: Benign. Last evaluated: 2021-01-18. Review status: criteria provided, single submitter. Criteria: GeneDx Variant Classification Process June 2021. Collection method: clinical testing. Allele origin: germline. Affected: yes.

Labcorp Genetics (formerly Invitae), Labcorp
Classification: Benign. Last evaluated: 2019-12-31. Review status: criteria provided, single submitter. Criteria: Invitae Variant Classification Sherloc (09022015). Collection method: clinical testing. Allele origin: germline.

PreventionGenetics, part of Exact Sciences
Classification: Benign for MYT1L-related condition. Last evaluated: 2019-06-13. Review status: no assertion criteria provided. Collection method: clinical testing. Allele origin: germline. Not counted in ClinVar's aggregate classification.
Comment: This variant is classified as benign based on ACMG/AMP sequence variant interpretation guidelines (Richards et al. 2015 PMID: 25741868, with internal and published modifications).

NM_001303052.2(MYT1L):c.273C>T (p.Asp91=)

Gene: MYT1L (myelin transcription factor 1 like; minus strand). Cytogenetic location: 2p25.3.
Variant type: single nucleotide variant.
Coding change: c.273C>T on transcript NM_001303052.2 (MANE Select); coding-DNA position 273, C replaced by T.
Protein change: p.Asp91=; no amino-acid change (aspartic acid 91 retained).
Molecular consequence: synonymous variant.
Genome position (GRCh38, 1-based): chr2:1,943,214, G>A on the plus strand (C>T on the coding strand, the complement: MYT1L is on the minus strand). VCF-style: chr2-1943214-G-A. GRCh37 (hg19) VCF-style: chr2-1946986-G-A.
Other names: c.273C>T (NM_001303052.1); c.273C>T, p.Asp91= (NM_001329844.2, NM_001329845.1, NM_001329846.3 and 6 more transcripts).
Identifiers: ClinVar variation 790814 (VCV000790814.30), dbSNP rs575777422, ClinGen allele CA1514420.